The following is an entry in ClinVar:

NM_006531.5(IFT88):c.2242+2dup

Gene: IFT88 (intraflagellar transport 88; plus strand). Cytogenetic location: 13q12.11.
Variant type: Duplication.
Coding change: c.2242+2dup on transcript NM_006531.5 (MANE Select); the canonical splice donor site of the intron after coding-DNA position 2242, one base duplicated (T; older notation c.2242+2dupT).
Molecular consequence: splice donor variant.
Genome position (GRCh38, 1-based): chr13:20,671,041, T duplicated. VCF-style (leftmost placement, unchanged base first): chr13-20671040-G-GT. GRCh37 (hg19) VCF-style: chr13-21245179-G-GT.
Other names: c.2167+2dup (NM_001353577.2, NM_001353569.2, NM_001353570.2 and 1 more transcripts); c.2269+2dup (NM_001353565.2, NM_001353567.2, NM_001318493.2 and 2 more transcripts); c.2242+2dup (NM_001353572.2, NM_001353568.2); c.2140+2dup (NM_001353571.2, NM_001353578.2); c.1609+2dup (NM_001353579.2); c.*5+2dup (NM_001353575.2); c.2185+2dup (NM_001318491.2); c.2098+2dup (NM_001353573.2); and 1 more.
Identifiers: ClinVar variation 2100508 (VCV002100508.4), dbSNP rs775793904, ClinGen allele CA6905711.

ClinVar aggregate classification (germline): Uncertain significance (1 of 4 stars; one submission).

Allele frequency attached by ClinVar (database versions not stated): gnomAD exomes below 0.00001; TOPMed below 0.00001; ExAC 0.00001.

Submission:

Labcorp Genetics (formerly Invitae), Labcorp
Classification: Uncertain significance. Last evaluated: 2022-02-20. Review status: criteria provided, single submitter. Criteria: Invitae Variant Classification Sherloc (09022015). Collection method: clinical testing. Allele origin: germline.
Comment: This variant is present in population databases (rs775793904, gnomAD 0.006%). This sequence change falls in intron 26 of the IFT88 gene. It does not directly change the encoded amino acid sequence of the IFT88 protein. It affects a nucleotide within the consensus splice site. This variant has not been reported in the literature in individuals affected with IFT88-related conditions. Variants that disrupt the consensus splice site are a relatively common cause of aberrant splicing (PMID: 17576681, 9536098). Algorithms developed to predict the effect of sequence changes on RNA splicing suggest that this variant may disrupt the consensus splice site. In summary, the available evidence is currently insufficient to determine the role of this variant in disease. Therefore, it has been classified as a Variant of Uncertain Significance.

Literature cited by the submitters: PubMed 17576681; PubMed 9536098.